The following is an entry in ClinVar:

ClinVar aggregate classification (germline): Uncertain significance (1 of 4 stars; one submission).

Conditions:
Neuroblastoma, susceptibility to, 3. Also called: ALK-Related Neuroblastic Tumor Susceptibility. Identifiers: Orphanet 635, MedGen C2751681, MONDO:0013083, OMIM 613014.

Submission:

Labcorp Genetics (formerly Invitae), Labcorp
Classification: Uncertain significance for Neuroblastoma, susceptibility to, 3. Last evaluated: 2019-09-07. Review status: criteria provided, single submitter. Criteria: Invitae Variant Classification Sherloc (09022015). Collection method: clinical testing. Allele origin: germline.
Comment: In summary, the available evidence is currently insufficient to determine the role of this variant in disease. Therefore, it has been classified as a Variant of Uncertain Significance. This sequence change replaces leucine with valine at codon 1108 of the ALK protein (p.Leu1108Val). The leucine residue is highly conserved and there is a small physicochemical difference between leucine and valine. This variant is not present in population databases (ExAC no frequency). This variant has not been reported in the literature in individuals with ALK-related conditions. Algorithms developed to predict the effect of missense changes on protein structure and function (SIFT, PolyPhen-2, Align-GVGD) all suggest that this variant is likely to be disruptive, but these predictions have not been confirmed by published functional studies and their clinical significance is uncertain.

NM_004304.5(ALK):c.3322C>G (p.Leu1108Val)

Gene: ALK (ALK receptor tyrosine kinase; minus strand). Cytogenetic location: 2p23.2.
Variant type: single nucleotide variant.
Coding change: c.3322C>G on transcript NM_004304.5 (MANE Select); coding-DNA position 3322, C replaced by G.
Protein change: p.Leu1108Val; replaces leucine 1108 with valine.
Molecular consequence: missense variant.
Genome position (GRCh38, 1-based): chr2:29,223,379, G>C on the plus strand (C>G on the coding strand, the complement: ALK is on the minus strand). VCF-style: chr2-29223379-G-C. GRCh37 (hg19) VCF-style: chr2-29446245-G-C.
Other names: c.118C>G, p.Leu40Val (NM_001353765.2); short protein forms L40V, L1108V.
Identifiers: ClinVar variation 954389 (VCV000954389.9), dbSNP rs1669860335, ClinGen allele CA346464722.